The following is an entry in ClinVar:

ClinVar aggregate classification (germline): Uncertain significance (1 of 4 stars; one submission).

Conditions:
Early-infantile DEE. Also called: Early infantile epileptic encephalopathy; Ohtahara syndrome; Early infantile epileptic encephalopathy with suppression bursts. Identifiers: Orphanet 1934, MedGen C0393706, MONDO:0800491.

Submission:

Labcorp Genetics (formerly Invitae), Labcorp
Classification: Uncertain significance for Early-infantile DEE. Last evaluated: 2021-01-11. Review status: criteria provided, single submitter. Criteria: Invitae Variant Classification Sherloc (09022015). Collection method: clinical testing. Allele origin: germline.
Comment: Nucleotide substitutions within the consensus splice site are a relatively common cause of aberrant splicing (PMID: 17576681, 9536098). Algorithms developed to predict the effect of sequence changes on RNA splicing suggest that this variant may disrupt the consensus splice site, but this prediction has not been confirmed by published transcriptional studies. In summary, the available evidence is currently insufficient to determine the role of this variant in disease. Therefore, it has been classified as a Variant of Uncertain Significance. This sequence change falls in intron 5 of the KCNQ2 gene. It does not directly change the encoded amino acid sequence of the KCNQ2 protein. It affects a nucleotide within the consensus splice site of the intron. This variant is not present in population databases (ExAC no frequency). This variant has not been reported in the literature in individuals with KCNQ2-related conditions.

Literature cited by the submitters: PubMed 17576681; PubMed 9536098.

NM_172107.4(KCNQ2):c.816+5G>A

Gene: KCNQ2 (potassium voltage-gated channel subfamily Q member 2; minus strand). Cytogenetic location: 20q13.33.
Variant type: single nucleotide variant.
Coding change: c.816+5G>A on transcript NM_172107.4 (MANE Select); 5 bases into the intron after coding-DNA position 816, G replaced by A.
Molecular consequence: intron variant.
Genome position (GRCh38, 1-based): chr20:63,442,401, C>T on the plus strand (G>A on the coding strand, the complement: KCNQ2 is on the minus strand). VCF-style: chr20-63442401-C-T. GRCh37 (hg19) VCF-style: chr20-62073754-C-T.
Other names: c.816+5G>A (NM_004518.6, NM_172108.5, NM_172106.3 and 2 more transcripts).
Identifiers: ClinVar variation 1501756 (VCV001501756.7), dbSNP rs2145735039, ClinGen allele CA2573157309.